The following is an entry in ClinVar:

NM_014712.3(SETD1A):c.246+4A>G

Gene: SETD1A (SET domain containing 1A, histone lysine methyltransferase; plus strand). Cytogenetic location: 16p11.2.
Variant type: single nucleotide variant.
Coding change: c.246+4A>G on transcript NM_014712.3 (MANE Select); 4 bases into the intron after coding-DNA position 246, A replaced by G.
Molecular consequence: intron variant.
Genome position (GRCh38, 1-based): chr16:30,959,190, A>G. VCF-style: chr16-30959190-A-G. GRCh37 (hg19) VCF-style: chr16-30970511-A-G.
Identifiers: ClinVar variation 2242103 (VCV002242103.2), dbSNP rs1162791494, ClinGen allele CA621868478.

ClinVar aggregate classification (germline): Uncertain significance (1 of 4 stars; one submission).

Conditions:
Inborn genetic diseases. Identifiers: MedGen C0950123, MeSH D030342.

Allele frequency attached by ClinVar (database versions not stated): gnomAD exomes below 0.00001; gnomAD 0.00001; TOPMed 0.00001.
gnomAD v4.1: 4 of 1,589,094 alleles (0.00025%); highest among the groups gnomAD compares: African/African-American, 0.0027%; no homozygotes.

Submission:

Ambry Genetics
Classification: Uncertain significance for Inborn genetic diseases. Last evaluated: 2021-09-21. Review status: criteria provided, single submitter. Criteria: Ambry Variant Classification Scheme 2023. Collection method: clinical testing. Allele origin: germline.
Comment: The c.246+4A>G intronic alteration consists of an A to G substitution 4 nucleotides after exon 3 (coding exon 2) of the SETD1A gene. Based on insufficient or conflicting evidence, the clinical significance of this alteration remains unclear.